The following is an entry in ClinVar:

ClinVar aggregate classification (germline): Uncertain significance. Review status: criteria provided, multiple submitters, no conflicts (2 of 4 stars). 5 submissions from 5 submitters: Uncertain significance (5). Last evaluated 2024-11-16.

Conditions:
Tumoral calcinosis, hyperphosphatemic, familial, 3. Identifiers: MedGen C4693864, MONDO:0060715, OMIM 617994.

Allele frequency attached by ClinVar (database versions not stated): ESP Exome Variant Server 0.00008; gnomAD 0.00008 and 0.00007; TOPMed 0.00011; ExAC 0.00019; gnomAD exomes 0.00020; 1000 Genomes Project 30x 0.00031; 1000 Genomes Project 0.00040.
gnomAD v4.1: 245 of 1,614,206 alleles (0.015%); highest among the groups gnomAD compares: Middle Eastern, 0.13%; no homozygotes.

Submissions (5):

Labcorp Genetics (formerly Invitae), Labcorp
Classification: Uncertain significance. Last evaluated: 2024-11-16. Review status: criteria provided, single submitter. Criteria: Invitae Variant Classification Sherloc (09022015). Collection method: clinical testing. Allele origin: germline.
Comment: This sequence change replaces proline, which is neutral and non-polar, with leucine, which is neutral and non-polar, at codon 690 of the KL protein (p.Pro690Leu). This variant is present in population databases (rs146275953, gnomAD 0.06%), and has an allele count higher than expected for a pathogenic variant. This variant has not been reported in the literature in individuals affected with KL-related conditions. ClinVar contains an entry for this variant (Variation ID: 1426214). Invitae Evidence Modeling of protein sequence and biophysical properties (such as structural, functional, and spatial information, amino acid conservation, physicochemical variation, residue mobility, and thermodynamic stability) indicates that this missense variant is expected to disrupt KL protein function with a positive predictive value of 80%. In summary, the available evidence is currently insufficient to determine the role of this variant in disease. Therefore, it has been classified as a Variant of Uncertain Significance.

Blueprint Genetics
Classification: Uncertain significance. Last evaluated: 2024-10-30. Review status: criteria provided, single submitter. Criteria: ACMG Guidelines, 2015. Collection method: clinical testing. Allele origin: germline.

Fulgent Genetics
Classification: Uncertain significance for Tumoral calcinosis, hyperphosphatemic, familial, 3. Last evaluated: 2022-04-29. Review status: criteria provided, single submitter. Criteria: ACMG Guidelines, 2015. Collection method: clinical testing. Allele origin: unknown.

Ambry Genetics
Classification: Uncertain significance. Last evaluated: 2021-10-21. Review status: criteria provided, single submitter. Criteria: Ambry Variant Classification Scheme 2023. Collection method: clinical testing. Allele origin: germline.

Breakthrough Genomics
Classification: Uncertain significance. Review status: criteria provided, single submitter. Criteria: ACMG Guidelines, 2015. Collection method: not provided. Allele origin: germline. Inheritance: Autosomal recessive inheritance. Affected: yes.

NM_004795.4(KL):c.2069C>T (p.Pro690Leu)

Gene: KL (klotho; plus strand). Cytogenetic location: 13q13.1.
Variant type: single nucleotide variant.
Coding change: c.2069C>T on transcript NM_004795.4 (MANE Select); coding-DNA position 2069, C replaced by T.
Protein change: p.Pro690Leu; replaces proline 690 with leucine.
Molecular consequence: missense variant.
Genome position (GRCh38, 1-based): chr13:33,061,148, C>T. VCF-style: chr13-33061148-C-T. GRCh37 (hg19) VCF-style: chr13-33635285-C-T.
Other names: c.2069C>T (NM_004795.3); short protein forms P690L.
Identifiers: ClinVar variation 1426214 (VCV001426214.12), dbSNP rs146275953, ClinGen allele CA6944240.
Genomic context (GRCh38, chr13:33,061,148, plus strand): 5'-CCCGACTGTGCTTTCAAGAGCTCGGCCATCACGTCAAGCTTTGGATAACGATGAATGAGC[C>T]GTATACAAGGAATATGACATACAGTGCTGGCCACAACCTTCTGAAGGCCCATGCCCTGGC-3'
Protein context (NP_004786.2, residues 680-700): HVKLWITMNE[Pro690Leu]YTRNMTYSAG